The following is an entry in ClinVar:

NM_015021.3(ZNF292):c.1715C>T (p.Pro572Leu)

Gene: ZNF292 (zinc finger protein 292; plus strand). Cytogenetic location: 6q14.3.
Variant type: single nucleotide variant.
Coding change: c.1715C>T on transcript NM_015021.3 (MANE Select); coding-DNA position 1715, C replaced by T.
Protein change: p.Pro572Leu; replaces proline 572 with leucine.
Molecular consequence: missense variant.
Genome position (GRCh38, 1-based): chr6:87,255,344, C>T. VCF-style: chr6-87255344-C-T. GRCh37 (hg19) VCF-style: chr6-87965062-C-T.
Other names: c.1295C>T, p.Pro432Leu (NM_001351444.2); short protein forms P432L, P572L.
Identifiers: ClinVar variation 1317160 (VCV001317160.2), dbSNP rs2127857888, ClinGen allele CA364910172.
Genomic context (GRCh38, chr6:87,255,344, plus strand): 5'-TTGGTCACAGAATAGTACGACATGCTCAGAAACATTACAAAGATGGAATTTATAGTTGCC[C>T]CATATGTGCAAAGAACTTTAATTCTAAAGAAACTTTTGTCCCTCATGTCACACTGCATGT-3'
Protein context (NP_055836.1, residues 562-582): KHYKDGIYSC[Pro572Leu]ICAKNFNSKE

ClinVar aggregate classification (germline): Uncertain significance (1 of 4 stars; one submission).

Submission:

GeneDx
Classification: Uncertain significance. Last evaluated: 2019-07-10. Review status: criteria provided, single submitter. Criteria: GeneDx Variant Classification Process June 2021. Collection method: clinical testing. Allele origin: germline. Affected: yes.
Comment: Not observed in large population cohorts (Lek et al., 2016); In silico analysis, which includes protein predictors and evolutionary conservation, supports a deleterious effect; Has not been previously published as pathogenic or benign to our knowledge; Variants in candidate genes are classified as variants of uncertain significance in accordance with ACMG guidelines (Richards et al., 2015)